The following is an entry in ClinVar:

NM_003239.5(TGFB3):c.344C>T (p.Ala115Val)

Gene: TGFB3 (transforming growth factor beta 3; minus strand). Cytogenetic location: 14q24.3.
Variant type: single nucleotide variant.
Coding change: c.344C>T on transcript NM_003239.5 (MANE Select); coding-DNA position 344, C replaced by T.
Protein change: p.Ala115Val; replaces alanine 115 with valine.
Molecular consequence: missense variant.
Genome position (GRCh38, 1-based): chr14:75,980,550, G>A on the plus strand (C>T on the coding strand, the complement: TGFB3 is on the minus strand). VCF-style: chr14-75980550-G-A. GRCh37 (hg19) VCF-style: chr14-76446893-G-A.
Other names: c.344C>T, p.Ala115Val (NM_001329938.2, NM_001329939.2); short protein forms A115V.
Identifiers: ClinVar variation 3717394 (VCV003717394.3).

ClinVar aggregate classification (germline): Conflicting classifications of pathogenicity. Review status: criteria provided, conflicting classifications (1 of 4 stars). 2 submissions from 2 submitters: Uncertain significance (1); Likely benign (1). Last evaluated 2025-07-11.

Conditions:
Rienhoff syndrome. Also called: LOEYS-DIETZ SYNDROME 5. Identifiers: MedGen C3810012, MONDO:0014262, OMIM 615582.
Familial thoracic aortic aneurysm and aortic dissection (TAAD). Also called: Thoracic aortic aneurysms and dissections. Identifiers: Orphanet 91387, MedGen C4707243, MONDO:0019625.

gnomAD v4.1: 5 of 1,614,196 alleles (0.00031%); highest among the groups gnomAD compares: East Asian, 0.0022%; no homozygotes.

Submissions (2):

Ambry Genetics
Classification: Likely benign for Familial thoracic aortic aneurysm and aortic dissection. Last evaluated: 2025-07-11. Review status: criteria provided, single submitter. Criteria: Ambry Variant Classification Scheme 2023. Collection method: clinical testing. Allele origin: germline.

Labcorp Genetics (formerly Invitae), Labcorp
Classification: Uncertain significance for Rienhoff syndrome. Last evaluated: 2024-08-14. Review status: criteria provided, single submitter. Criteria: Invitae Variant Classification Sherloc (09022015). Collection method: clinical testing. Allele origin: germline.
Comment: This sequence change replaces alanine, which is neutral and non-polar, with valine, which is neutral and non-polar, at codon 115 of the TGFB3 protein (p.Ala115Val). This variant is present in population databases (rs754010536, gnomAD 0.0009%). This variant has not been reported in the literature in individuals affected with TGFB3-related conditions. Invitae Evidence Modeling of protein sequence and biophysical properties (such as structural, functional, and spatial information, amino acid conservation, physicochemical variation, residue mobility, and thermodynamic stability) indicates that this missense variant is not expected to disrupt TGFB3 protein function with a negative predictive value of 80%. In summary, the available evidence is currently insufficient to determine the role of this variant in disease. Therefore, it has been classified as a Variant of Uncertain Significance.